The following is an entry in ClinVar:

ClinVar aggregate classification (germline): Uncertain significance (1 of 4 stars; one submission).

Submission:

GeneDx
Classification: Uncertain significance. Last evaluated: 2026-03-17. Review status: criteria provided, single submitter. Criteria: GeneDx Variant Classification Process June 2021. Collection method: clinical testing. Allele origin: germline.
Comment: Not observed at significant frequency in large population cohorts (gnomAD); In silico analysis supports that this missense variant has a deleterious effect on protein structure/function; Has not been previously published as pathogenic or benign to our knowledge

NM_182641.4(BPTF):c.5682G>C (p.Leu1894Phe)

Gene: BPTF (bromodomain PHD finger transcription factor; plus strand). Cytogenetic location: 17q24.2.
Variant type: single nucleotide variant.
Coding change: c.5682G>C on transcript NM_182641.4 (MANE Select); coding-DNA position 5682, G replaced by C.
Protein change: p.Leu1894Phe; replaces leucine 1894 with phenylalanine.
Molecular consequence: missense variant.
Genome position (GRCh38, 1-based): chr17:67,922,964, G>C. VCF-style: chr17-67922964-G-C. GRCh37 (hg19) VCF-style: chr17-65919080-G-C.
Other names: c.5871G>C, p.Leu1957Phe (NM_001439139.1, NM_001439141.1, NM_001439143.1 and 1 more transcripts); c.6060G>C, p.Leu2020Phe (NM_001439140.1, NM_001439142.1, NM_004459.7); short protein forms L1894F, L1957F, L2020F.
Identifiers: ClinVar variation 5009370 (VCV005009370.1).